The following is an entry in ClinVar:

NM_000179.3(MSH6):c.3890G>A (p.Ser1297Asn)

Gene: MSH6 (mutS homolog 6; plus strand). Cytogenetic location: 2p16.3.
Variant type: single nucleotide variant.
Coding change: c.3890G>A on transcript NM_000179.3 (MANE Select); coding-DNA position 3890, G replaced by A.
Protein change: p.Ser1297Asn; replaces serine 1297 with asparagine.
Molecular consequence: missense variant.
Genome position (GRCh38, 1-based): chr2:47,806,540, G>A. VCF-style: chr2-47806540-G-A. GRCh37 (hg19) VCF-style: chr2-48033679-G-A.
Other names: c.3500G>A, p.Ser1167Asn (NM_001281492.2); c.2984G>A, p.Ser995Asn (NM_001281493.2, NM_001281494.2); short protein forms S1167N, S1297N, S995N.
Identifiers: ClinVar variation 999285 (VCV000999285.9), dbSNP rs1670115084, ClinGen allele CA346761397.
Genomic context (GRCh38, chr2:47,806,540, plus strand): 5'-ACCCCAGCCAGGAGACTATTACGTTCCTCTATAAATTCATTAAGGGAGCTTGTCCTAAAA[G>A]CTATGGCTTTAATGCAGCAAGGCTTGCTAATCTCCCAGAGGAAGTTATTCAAAAGGGACA-3'
Protein context (NP_000170.1, residues 1287-1307): YKFIKGACPK[Ser1297Asn]YGFNAARLAN

ClinVar aggregate classification (germline): Uncertain significance. Review status: criteria provided, multiple submitters, no conflicts (2 of 4 stars). 2 submissions from 2 submitters: Uncertain significance (2). Last evaluated 2024-07-01.

Conditions:
Hereditary cancer-predisposing syndrome. Also called: Neoplastic Syndromes, Hereditary; Tumor predisposition; Hereditary Cancer Syndrome; Hereditary neoplastic syndrome. Identifiers: Orphanet 140162, MedGen C0027672, MeSH D009386, MONDO:0015356.
Hereditary nonpolyposis colorectal neoplasms. Identifiers: MedGen C0009405, MeSH D003123.

Allele frequency attached by ClinVar (database versions not stated): gnomAD exomes below 0.00001.
gnomAD v4.1: 1 of 1,613,902 alleles (0.000062%); highest among the groups gnomAD compares: African/African-American, 0.0013%; no homozygotes.

Submissions (2):

Labcorp Genetics (formerly Invitae), Labcorp
Classification: Uncertain significance for Hereditary nonpolyposis colorectal neoplasms. Last evaluated: 2024-07-01. Review status: criteria provided, single submitter. Criteria: Invitae Variant Classification Sherloc (09022015). Collection method: clinical testing. Allele origin: germline.
Comment: This sequence change replaces serine, which is neutral and polar, with asparagine, which is neutral and polar, at codon 1297 of the MSH6 protein (p.Ser1297Asn). This variant is not present in population databases (gnomAD no frequency). This variant has not been reported in the literature in individuals affected with MSH6-related conditions. ClinVar contains an entry for this variant (Variation ID: 999285). Advanced modeling of protein sequence and biophysical properties (such as structural, functional, and spatial information, amino acid conservation, physicochemical variation, residue mobility, and thermodynamic stability) has been performed at Invitae for this missense variant, however the output from this modeling did not meet the statistical confidence thresholds required to predict the impact of this variant on MSH6 protein function. In summary, the available evidence is currently insufficient to determine the role of this variant in disease. Therefore, it has been classified as a Variant of Uncertain Significance.

Ambry Genetics
Classification: Uncertain significance for Hereditary cancer-predisposing syndrome. Last evaluated: 2021-06-24. Review status: criteria provided, single submitter. Criteria: Ambry Variant Classification Scheme 2023. Collection method: clinical testing. Allele origin: germline.
Comment: The p.S1297N variant (also known as c.3890G>A), located in coding exon 9 of the MSH6 gene, results from a G to A substitution at nucleotide position 3890. The serine at codon 1297 is replaced by asparagine, an amino acid with highly similar properties. This amino acid position is highly conserved in available vertebrate species. In addition, the in silico prediction for this alteration is inconclusive. Since supporting evidence is limited at this time, the clinical significance of this alteration remains unclear.